The following is an entry in ClinVar:

NM_031844.3(HNRNPU):c.2006dup (p.Tyr669Ter)

Gene: HNRNPU (heterogeneous nuclear ribonucleoprotein U; minus strand). Cytogenetic location: 1q44.
Variant type: Duplication.
Coding change: c.2006dup on transcript NM_031844.3 (MANE Select); coding-DNA position 2006, one base duplicated (A; older notation c.2006dupA).
Protein change: p.Tyr669Ter; replaces tyrosine 669 with a stop codon.
Molecular consequence: nonsense.
Genome position (GRCh38, 1-based): chr1:244,856,065, T duplicated on the plus strand (A on the coding strand, the reverse complement: HNRNPU is on the minus strand). VCF-style (leftmost placement, unchanged base first): chr1-244856064-A-AT. GRCh37 (hg19) VCF-style: chr1-245019366-A-AT.
Other names: c.1949dup, p.Tyr650Ter (NM_004501.3); short protein forms Y650*, Y669*.
Identifiers: ClinVar variation 1390163 (VCV001390163.6), dbSNP rs2102985419, ClinGen allele CA2573132956.

ClinVar aggregate classification (germline): Pathogenic (1 of 4 stars; one submission).

Conditions:
Developmental and epileptic encephalopathy, 54. Also called: HNRNPU-Related Neurodevelopmental Disorder; Epileptic encephalopathy, early infantile, 54. Identifiers: MedGen C4479319, MONDO:0033363, OMIM 617391.

Submission:

Labcorp Genetics (formerly Invitae), Labcorp
Classification: Pathogenic for Developmental and epileptic encephalopathy, 54. Last evaluated: 2024-02-23. Review status: criteria provided, single submitter. Criteria: Invitae Variant Classification Sherloc (09022015). Collection method: clinical testing. Allele origin: germline.
Comment: This sequence change creates a premature translational stop signal (p.Tyr669*) in the HNRNPU gene. It is expected to result in an absent or disrupted protein product. Loss-of-function variants in HNRNPU are known to be pathogenic (PMID: 22678713, 28283832). This variant is not present in population databases (gnomAD no frequency). This variant has not been reported in the literature in individuals affected with HNRNPU-related conditions. ClinVar contains an entry for this variant (Variation ID: 1390163). For these reasons, this variant has been classified as Pathogenic.

Literature cited by the submitters: PubMed 22678713; PubMed 28283832.